The following is an entry in ClinVar:

ClinVar aggregate classification (germline): Benign. Review status: criteria provided, multiple submitters, no conflicts (2 of 4 stars). 2 submissions from 2 submitters: Benign (2). Last evaluated 2018-06-14.

Allele frequency attached by ClinVar (database versions not stated): TOPMed 0.98470; 1000 Genomes Project 0.98642; 1000 Genomes Project 30x 0.98673; gnomAD 0.98736.
gnomAD v4.1: 456,805 of 459,218 alleles (99%); highest among the groups gnomAD compares: East Asian, 100%; 227,241 homozygotes.

Submissions (2):

GeneDx
Classification: Benign. Last evaluated: 2018-06-14. Review status: criteria provided, single submitter. Criteria: GeneDx Variant Classification (06012015). Collection method: clinical testing. Allele origin: germline. Affected: yes.
Comment: This variant is considered likely benign or benign based on one or more of the following criteria: it is a conservative change, it occurs at a poorly conserved position in the protein, it is predicted to be benign by multiple in silico algorithms, and/or has population frequency not consistent with disease.

Breakthrough Genomics
Classification: Benign. Review status: criteria provided, single submitter. Criteria: ACMG Guidelines, 2015. Collection method: not provided. Allele origin: germline. Inheritance: Autosomal dominant inheritance. Affected: yes.

NM_000141.5(FGFR2):c.2301+1716A>G

Gene: FGFR2 (fibroblast growth factor receptor 2; minus strand). Cytogenetic location: 10q26.13.
Variant type: single nucleotide variant.
Coding change: c.2301+1716A>G on transcript NM_000141.5 (MANE Select); 1716 bases into the intron after coding-DNA position 2301, A replaced by G.
Molecular consequence: intron variant. On other transcripts: 3 prime UTR variant (2).
Genome position (GRCh38, 1-based): chr10:121,481,982, T>C on the plus strand (A>G on the coding strand, the complement: FGFR2 is on the minus strand). VCF-style: chr10-121481982-T-C. GRCh37 (hg19) VCF-style: chr10-123241496-T-C.
Other names: c.*190A>G (NM_001144913.1, NM_001144919.2); c.1965+1716A>G (NM_001144914.1); c.1950+1716A>G (NM_001144918.2, NM_001441091.1); c.1956+1716A>G (NM_001441090.1, NM_001144916.2); c.2028+1716A>G (NM_001441089.1); c.2034+1716A>G (NM_023029.3, NM_001144915.2); c.2031+1716A>G (NM_001441088.1); c.1953+1716A>G (NM_001144917.2); and 4 more.
Identifiers: ClinVar variation 667902 (VCV000667902.2), dbSNP rs1649167, ClinGen allele CA214952777.